The following is an entry in ClinVar:

ClinVar aggregate classification (germline): Uncertain significance (1 of 4 stars; one submission).

Conditions:
Mosaic variegated aneuploidy syndrome 1 (MVA1). Also called: Warburton-Anyane-Yeboa syndrome. Identifiers: Orphanet 1052, MedGen C1850343, MONDO:0009759, OMIM 257300.

gnomAD v4.1: 1 of 1,613,878 alleles (0.000062%); highest among the groups gnomAD compares: Non-Finnish European, 0.000085%; no homozygotes.

Submission:

Labcorp Genetics (formerly Invitae), Labcorp
Classification: Uncertain significance for Mosaic variegated aneuploidy syndrome 1. Last evaluated: 2025-02-20. Review status: criteria provided, single submitter. Criteria: Invitae Variant Classification Sherloc (09022015). Collection method: clinical testing. Allele origin: germline.
Comment: This sequence change falls in intron 6 of the BUB1B gene. It does not directly change the encoded amino acid sequence of the BUB1B protein. It affects a nucleotide within the consensus splice site. This variant is present in population databases (rs777441036, gnomAD 0.0009%). This variant has not been reported in the literature in individuals affected with BUB1B-related conditions. Variants that disrupt the consensus splice site are a relatively common cause of aberrant splicing (PMID: 17576681, 9536098). Algorithms developed to predict the effect of sequence changes on RNA splicing suggest that this variant may create or strengthen a splice site. In summary, the available evidence is currently insufficient to determine the role of this variant in disease. Therefore, it has been classified as a Variant of Uncertain Significance.

Literature cited by the submitters: PubMed 17576681; PubMed 9536098.

NM_001211.6(BUB1B):c.751+5G>C

Gene: BUB1B (BUB1 mitotic checkpoint serine/threonine kinase B; plus strand). Cytogenetic location: 15q15.1.
Variant type: single nucleotide variant.
Coding change: c.751+5G>C on transcript NM_001211.6 (MANE Select); 5 bases into the intron after coding-DNA position 751, G replaced by C.
Molecular consequence: intron variant.
Genome position (GRCh38, 1-based): chr15:40,183,888, G>C. VCF-style: chr15-40183888-G-C. GRCh37 (hg19) VCF-style: chr15-40476089-G-C.
Identifiers: ClinVar variation 4766914 (VCV004766914.1).